The following is an entry in ClinVar:

Single allele

Gene: ABL1 (ABL proto-oncogene 1, non-receptor tyrosine kinase; plus strand). Cytogenetic location: 9q34.12.
Variant type: Translocation.
Identifiers: ClinVar variation 617566 (VCV000617566.1).

ClinVar aggregate classification (germline): Pathogenic (0 of 4 stars; one submission).

Conditions:
T-cell acute lymphoblastic leukemia. Also called: Acute T cell leukemia; T-cell acute lymphoblastic leukemias; Susceptibility to T-cell acute lymphoblastic leukemia; T-cell acute lymphocytic leukemia, somatic. Identifiers: MedGen C1961099, MONDO:0004963, HP:0006727.

Submission:

Mayo Clinic Genomics Laboratory, Mayo Clinic
Classification: Pathogenic for T-cell acute lymphoblastic leukemia. Last evaluated: 2017-08-24. Review status: no assertion criteria provided. Collection method: clinical testing. Allele origin: somatic. Inheritance: Somatic mutation. Affected: yes.
Comment: Results in NUP214-ABL1 fusion, previously described in T-Acute lymphoblastic leukemia, may be responsive to tyrosine kinase inhibitors

Literature cited by the submitters: PubMed 27821800; PubMed 20073070.